The following is an entry in ClinVar:

ClinVar aggregate classification (germline): Conflicting classifications of pathogenicity. Review status: criteria provided, conflicting classifications (1 of 4 stars). 2 submissions from 2 submitters: Likely pathogenic (1); Uncertain significance (1). Last evaluated 2022-11-15.

Conditions:
NKX2-1-Related Disorders. Also called: NKX2-1-related disorder. Identifiers: MedGen CN381057.

Submissions (2):

Blueprint Genetics
Classification: Likely pathogenic for NKX2-1-related disorders. Last evaluated: 2022-11-15. Review status: criteria provided, single submitter. Criteria: ACMG Guidelines, 2015. Collection method: clinical testing. Allele origin: de novo. Affected: yes. Observed: 1 variant allele.

Labcorp Genetics (formerly Invitae), Labcorp
Classification: Uncertain significance. Last evaluated: 2022-05-18. Review status: criteria provided, single submitter. Criteria: Invitae Variant Classification Sherloc (09022015). Collection method: clinical testing. Allele origin: germline.
Comment: In summary, the available evidence is currently insufficient to determine the role of this variant in disease. Therefore, it has been classified as a Variant of Uncertain Significance. Algorithms developed to predict the effect of missense changes on protein structure and function (SIFT, PolyPhen-2, Align-GVGD) all suggest that this variant is likely to be disruptive. This variant has not been reported in the literature in individuals affected with NKX2-1-related conditions. This variant is not present in population databases (gnomAD no frequency). This sequence change replaces alanine, which is neutral and non-polar, with aspartic acid, which is acidic and polar, at codon 225 of the NKX2-1 protein (p.Ala225Asp).

NM_001079668.3(NKX2-1):c.674C>A (p.Ala225Asp)

Genes: NKX2-1 (NK2 homeobox 1; minus strand), SFTA3 (surfactant associated 3; minus strand). Cytogenetic location: 14q13.3.
Variant type: single nucleotide variant.
Coding change: c.674C>A on transcript NM_001079668.3 (MANE Select); coding-DNA position 674, C replaced by A.
Protein change: p.Ala225Asp; replaces alanine 225 with aspartic acid.
Molecular consequence: missense variant.
Genome position (GRCh38, 1-based): chr14:36,517,810, G>T on the plus strand (C>A on the coding strand, the complement: NKX2-1 is on the minus strand). VCF-style: chr14-36517810-G-T. GRCh37 (hg19) VCF-style: chr14-36987015-G-T.
Other names: c.584C>A, p.Ala195Asp (NM_003317.4); short protein forms A225D, A195D.
Identifiers: ClinVar variation 1995908 (VCV001995908.5), dbSNP rs2139407420, ClinGen allele CA389459298.